The following is an entry in ClinVar:

NM_004360.5(CDH1):c.1709A>G (p.Asn570Ser)

Gene: CDH1 (cadherin 1; plus strand). Cytogenetic location: 16q22.1.
Variant type: single nucleotide variant.
Coding change: c.1709A>G on transcript NM_004360.5 (MANE Select); coding-DNA position 1709, A replaced by G.
Protein change: p.Asn570Ser; replaces asparagine 570 with serine.
Molecular consequence: missense variant. On other transcripts: intron variant (1).
Genome position (GRCh38, 1-based): chr16:68,819,423, A>G. VCF-style: chr16-68819423-A-G. GRCh37 (hg19) VCF-style: chr16-68853326-A-G.
Other names: c.1709A>G (LRG_301t1); c.1526A>G, p.Asn509Ser (NM_001317184.2); c.161A>G, p.Asn54Ser (NM_001317185.2); c.-254-2578A>G (NM_001317186.2); short protein forms N570S, N509S, N54S.
Identifiers: ClinVar variation 532479 (VCV000532479.17), dbSNP rs1555516592, ClinGen allele CA396465458.

ClinVar aggregate classification (germline): Conflicting classifications of pathogenicity. Review status: criteria provided, conflicting classifications (1 of 4 stars). 4 submissions from 4 submitters: Uncertain significance (3); Likely benign (1). Last evaluated 2026-06-03.

Conditions:
Hereditary cancer-predisposing syndrome. Also called: Tumor predisposition; Hereditary neoplastic syndrome; Neoplastic Syndromes, Hereditary; Hereditary Cancer Syndrome. Identifiers: Orphanet 140162, MedGen C0027672, MeSH D009386, MONDO:0015356.
Hereditary diffuse gastric adenocarcinoma (HDGC). Also called: DIFFUSE GASTRIC AND LOBULAR BREAST CANCER SYNDROME. Identifiers: Orphanet 26106, MedGen C1708349, MONDO:0007648, OMIM 137215.

Submissions (4):

Ambry Genetics
Classification: Likely benign for Hereditary cancer-predisposing syndrome. Last evaluated: 2026-06-03. Review status: criteria provided, single submitter. Criteria: Ambry Variant Classification Scheme 2023. Collection method: clinical testing. Allele origin: germline.

Labcorp Genetics (formerly Invitae), Labcorp
Classification: Uncertain significance for Hereditary diffuse gastric adenocarcinoma. Last evaluated: 2025-06-05. Review status: criteria provided, single submitter. Criteria: Invitae Variant Classification Sherloc (09022015). Collection method: clinical testing. Allele origin: germline.
Comment: This sequence change replaces asparagine, which is neutral and polar, with serine, which is neutral and polar, at codon 570 of the CDH1 protein (p.Asn570Ser). This variant is not present in population databases (gnomAD no frequency). This variant has not been reported in the literature in individuals affected with CDH1-related conditions. ClinVar contains an entry for this variant (Variation ID: 532479). An algorithm developed to predict the effect of missense changes on protein structure and function outputs the following: PolyPhen-2: "Benign". The serine amino acid residue is found in multiple mammalian species, which suggests that this missense change does not adversely affect protein function. In summary, the available evidence is currently insufficient to determine the role of this variant in disease. Therefore, it has been classified as a Variant of Uncertain Significance.

GeneDx
Classification: Uncertain significance. Last evaluated: 2024-02-06. Review status: criteria provided, single submitter. Criteria: GeneDx Variant Classification Process June 2021. Collection method: clinical testing. Allele origin: germline. Affected: yes.
Comment: Not observed at significant frequency in large population cohorts (gnomAD); In silico analysis supports that this missense variant has a deleterious effect on protein structure/function; Has not been previously published as pathogenic or benign to our knowledge; This variant is associated with the following publications: (PMID: 15235021, 22850631)

Color Diagnostics, LLC DBA Color Health
Classification: Uncertain significance for Hereditary cancer-predisposing syndrome. Last evaluated: 2023-01-23. Review status: criteria provided, single submitter. Criteria: ACMG Guidelines, 2015. Collection method: clinical testing. Allele origin: germline.
Comment: This missense variant replaces asparagine with serine at codon 570 of the CDH1 protein. To our knowledge, functional studies have not been reported for this variant. This variant has not been reported in individuals affected with CDH1-related disorders in the literature. This variant has not been identified in the general population by the Genome Aggregation Database (gnomAD). The available evidence is insufficient to determine the role of this variant in disease conclusively. Therefore, this variant is classified as a Variant of Uncertain Significance.